The following is an entry in ClinVar:

ClinVar aggregate classification (germline): Pathogenic/Likely pathogenic. Review status: criteria provided, multiple submitters, no conflicts (2 of 4 stars). 10 submissions from 10 submitters: Pathogenic (6); Likely pathogenic (2). 2 of the submissions do not count toward it. Last evaluated 2026-01-12.

Conditions:
Hermansky-Pudlak syndrome (HPS). Also called: ALBINISM WITH HEMORRHAGIC DIATHESIS AND PIGMENTED RETICULOENDOTHELIAL CELLS. Identifiers: Orphanet 79430, MedGen C0079504, MONDO:0019312.
Hermansky-Pudlak syndrome 1 (HPS1). Also called: DELTA STORAGE POOL DISEASE. Identifiers: Orphanet 231500, Orphanet 79430, MedGen C2931875, MONDO:0008748, OMIM 203300.

Allele frequency attached by ClinVar (database versions not stated): gnomAD 0.00001.
gnomAD v4.1: 15 of 1,613,932 alleles (0.00093%); highest among the groups gnomAD compares: East Asian, 0.033%; no homozygotes.

Submissions (10):

Natera, Inc.
Classification: Pathogenic for Hermansky-Pudlak syndrome. Last evaluated: 2026-01-12. Review status: criteria provided, single submitter. Criteria: Natera Variant Classification Schema (03/2026). Collection method: clinical testing. Allele origin: germline.
Comment: The c.398+5G>A variant in HPS1 is an intronic variant located outside the canonical splice sites. This variant is rare in the general population with a frequency below the threshold expected for the associated phenotype(s). This variant has been observed in one or more individuals affected with the associated recessive disease, as either homozygous or compound heterozygous with a second variant (PMID: 19398212, 10971344). Functional studies show that this variant may disrupt protein function (PMID: 19398212). Computational prediction algorithms indicate this variant is likely to affect gene or protein function. Given the available evidence, this variant is classified as Pathogenic.

Myriad Genetics, Inc.
Classification: Pathogenic for Hermansky-Pudlak syndrome 1. Last evaluated: 2025-11-13. Review status: criteria provided, single submitter. Criteria: Myriad Autosomal Dominant, Autosomal Recessive and X-Linked Classification Criteria (2023). Collection method: clinical testing. Allele origin: unknown.
Comment: NM_000195.3(HPS1):c.398+5G>A is an intronic variant classified as pathogenic in the context of Hermansky-Pudlak syndrome, HPS1-related. c.398+5G>A has been observed in cases with relevant disease (PMID: 32725903, 16185271, 19398212, 24583434, 9497254, 34838614, 15519141). Relevant functional assessments of this variant are available in the literature (PMID: 19398212, 15519141). c.398+5G>A has been observed in referenced population frequency databases. In summary, NM_000195.3(HPS1):c.398+5G>A is an intronic variant that has been observed more frequently in cases with the relevant disease than in healthy populations. Please note: this variant was assessed in the context of healthy population screening.

Broad Center for Mendelian Genomics, Broad Institute of MIT and Harvard
Classification: Likely pathogenic for Hermansky-Pudlak syndrome. Last evaluated: 2025-04-30. Review status: criteria provided, single submitter. Criteria: ACMG Guidelines, 2015. Collection method: curation. Allele origin: germline. Inheritance: Autosomal recessive inheritance.
Comment: The c.398+5G>A variant in HPS1 has been reported in at least 5 individuals with Hermansky-Pudlak syndrome (PMID: 9497254, 24583434, 30634918, 33023548, 32725903), and has been identified in 0.03% (15/44884) of East Asian chromosomes by the Genome Aggregation Database (gnomAD; dbSNP ID: rs1486224265). Although this variant has been seen in the general population in a heterozygous state, its frequency is not high enough to rule out a pathogenic role. This variant has also been reported in ClinVar (VCV000005283.25) and has been interpreted as pathogenic by multiple submitters. Of the 5 affected individuals, 3 were homozygotes and at least 1 was a compound heterozygote that carried a reported pathogenic variant in trans, which increases the likelihood that the c.398+5G>A variant is pathogenic (PMID: 9497254, 24583434, 30634918). This variant is located in the 5' splice region. Computational tools predict a splicing impact, though this information is not predictive enough to determine pathogenicity. Loss of function of the HPS1 gene is an established disease mechanism in autosomal recessive Hermansky-Pudlak syndrome. Two additional likely pathogenic variants, predicted to induce the same splicing effect as this variant, have been reported in ClinVar as being associated with Hermansky-Pudlak syndrome, supporting that the c.398+5G>A variant may be pathogenic (VCV000449037.13, VCV003241741.1). In summary, although additional studies are required to fully establish its clinical significance, this variant is likely pathogenic for autosomal recessive Hermansky-Pudlak syndrome. ACMG/AMP Criteria applied: PM3_strong, PS1_moderate, PP3 (Richards 2015).

Labcorp Genetics (formerly Invitae), Labcorp
Classification: Pathogenic. Last evaluated: 2024-11-29. Review status: criteria provided, single submitter. Criteria: Invitae Variant Classification Sherloc (09022015). Collection method: clinical testing. Allele origin: germline.
Comment: This sequence change falls in intron 5 of the HPS1 gene. It does not directly change the encoded amino acid sequence of the HPS1 protein. It affects a nucleotide within the consensus splice site. This variant is not present in population databases (gnomAD no frequency). This variant has been observed in individual(s) with Hermansky-Pudlak syndrome (PMID: 9497254, 24583434, 30634918). In at least one individual the data is consistent with being in trans (on the opposite chromosome) from a pathogenic variant. ClinVar contains an entry for this variant (Variation ID: 5283). Variants that disrupt the consensus splice site are a relatively common cause of aberrant splicing (PMID: 17576681, 9536098). Algorithms developed to predict the effect of sequence changes on RNA splicing suggest that this variant may disrupt the consensus splice site. For these reasons, this variant has been classified as Pathogenic.

CeGaT Center for Human Genetics Tuebingen
Classification: Pathogenic. Last evaluated: 2024-02-01. Review status: criteria provided, single submitter. Criteria: CeGaT Center For Human Genetics Tuebingen Variant Classification Criteria Version 2. Collection method: clinical testing. Allele origin: germline. Affected: yes. Observed: 1 variant allele.
Comment: HPS1: PM3:Very Strong, PM2, PS3:Supporting

Women's Health and Genetics/Laboratory Corporation of America, LabCorp
Classification: Pathogenic for Hermansky-Pudlak syndrome. Last evaluated: 2023-09-01. Review status: criteria provided, single submitter. Criteria: LabCorp Variant Classification Summary - May 2015. Collection method: clinical testing. Allele origin: germline.
Comment: Variant summary: HPS1 c.398+5G>A alters a conserved nucleotide located close to a canonical splice site and therefore could affect mRNA splicing, leading to a significantly altered protein sequence. Several computational tools predict a significant impact on normal splicing: Four predict the variant abolishes the canonical 5' splicing donor site. At least one publication reports experimental evidence that this variant affects mRNA splicing (example: Suzuki_2004). The variant was absent in 250990 control chromosomes (gnomAD). c.398+5G>A has been reported in the literature in multiple individuals affected with Hermansky-Pudlak Syndrome (example: Ito_2005). These data indicate that the variant is very likely to be associated with disease. The following publications have been ascertained in the context of this evaluation (PMID: 16185271, 15519141). Two submitters have cited clinical-significance assessments for this variant to ClinVar after 2014. All submitters classified the variant as pathogenic. Based on the evidence outlined above, the variant was classified as pathogenic.

GeneDx
Classification: Pathogenic. Last evaluated: 2022-10-17. Review status: criteria provided, single submitter. Criteria: GeneDx Variant Classification Process June 2021. Collection method: clinical testing. Allele origin: germline. Affected: yes.
Comment: Intronic +5 splice site variant in a gene for which loss of function is a known mechanism of disease, and splice predictors support a deleterious effect; Not observed at significant frequency in large population cohorts (gnomAD); This variant is associated with the following publications: (PMID: 32487952, 25525159, 27284308, 30634918, 32725903, 33365035, 20301464, 10971344, 27176668, Kageshima2021[paper], 9497254, 19398212, 33023548, 15519141, 24583434, 27593200)

Juno Genomics, Hangzhou Juno Genomics, Inc
Classification: Likely pathogenic for Hermansky-Pudlak syndrome 1. Review status: criteria provided, single submitter. Criteria: ACMG Guidelines, 2015. Collection method: clinical testing. Allele origin: germline.
Comment: Absent from controls (or at extremely low frequency if recessive) in Genome Aggregation Database.;Multiple lines of computational evidence support a deleterious effect on the gene or gene product.;For recessive disorders, detected in trans with a pathogenic variant.;Patient's phenotype or family history is highly specific for a disease with a single genetic etiology.

OMIM
Classification: Pathogenic for HERMANSKY-PUDLAK SYNDROME 1. Last evaluated: 2000-09-01. Review status: no assertion criteria provided. Collection method: literature only. Allele origin: germline. Not counted in ClinVar's aggregate classification.

GeneReviews
No classification provided. Condition: Hermansky-Pudlak syndrome 1. Review status: no classification provided. Collection method: literature only. Allele origin: germline. Not counted in ClinVar's aggregate classification.

Literature cited by the submitters: PubMed 19398212 (cited by Natera, Inc. and Myriad Genetics, Inc.); PubMed 10971344 (cited by Natera, Inc. and OMIM); PubMed 15519141 (cited by Myriad Genetics, Inc. and Women's Health and Genetics/Laboratory Corporation of America, LabCorp); PubMed 16185271 (cited by Myriad Genetics, Inc. and Women's Health and Genetics/Laboratory Corporation of America, LabCorp); PubMed 24583434 (cited by 3 submitters); PubMed 32725903 (cited by Myriad Genetics, Inc. and Broad Center for Mendelian Genomics, Broad Institute of MIT and Harvard); PubMed 34838614 (cited by Myriad Genetics, Inc.); PubMed 9497254 (cited by 3 submitters); PubMed 30634918 (cited by Broad Center for Mendelian Genomics, Broad Institute of MIT and Harvard and Labcorp Genetics (formerly Invitae), Labcorp); PubMed 33023548 (cited by Broad Center for Mendelian Genomics, Broad Institute of MIT and Harvard); PubMed 17576681 (cited by Labcorp Genetics (formerly Invitae), Labcorp); PubMed 9536098 (cited by Labcorp Genetics (formerly Invitae), Labcorp); NCBI Bookshelf NBK1287 (cited by GeneReviews).

NM_000195.5(HPS1):c.398+5G>A

Gene: HPS1 (HPS1 biogenesis of lysosomal organelles complex 3 subunit 1; minus strand). Cytogenetic location: 10q24.2.
Variant type: single nucleotide variant.
Coding change: c.398+5G>A on transcript NM_000195.5 (MANE Select); 5 bases into the intron after coding-DNA position 398, G replaced by A.
Molecular consequence: intron variant.
Genome position (GRCh38, 1-based): chr10:98,435,267, C>T on the plus strand (G>A on the coding strand, the complement: HPS1 is on the minus strand). VCF-style: chr10-98435267-C-T. GRCh37 (hg19) VCF-style: chr10-100195024-C-T.
Other names: IVS5DS, G-A, +5; c.398+5G>A (NM_000195.4, NM_001322478.2, NM_001322476.2 and 6 more transcripts); c.29+368G>A (NM_001322483.2, NM_001322485.2, NM_001322484.2); c.255+368G>A (NM_001322480.2, NM_001322482.2, NM_001322481.2); c.-519+368G>A (NM_001322489.2); c.-519+5G>A (NM_001311345.2); c.-618+5G>A (NM_001322487.2).
Identifiers: ClinVar variation 5283 (VCV000005283.40), dbSNP rs281865077, ClinGen allele CA340390.